The following is an entry in ClinVar:

ClinVar aggregate classification (germline): Pathogenic (1 of 4 stars; one submission).

Submission:

CeGaT Center for Human Genetics Tuebingen
Classification: Pathogenic. Last evaluated: 2024-03-01. Review status: criteria provided, single submitter. Criteria: CeGaT Center For Human Genetics Tuebingen Variant Classification Criteria Version 2. Collection method: clinical testing. Allele origin: germline. Affected: yes. Observed: 2 variant alleles.
Comment: TGFB2: PVS1, PM2

NM_003238.6(TGFB2):c.635del (p.His212fs)

Gene: TGFB2 (transforming growth factor beta 2; plus strand). Cytogenetic location: 1q41.
Variant type: Deletion.
Coding change: c.635del on transcript NM_003238.6 (MANE Select); coding-DNA position 635, one base deleted (A; older notation c.635delA).
Protein change: p.His212fs; shifts the reading frame from histidine 212.
Molecular consequence: frameshift variant. On other transcripts: non-coding transcript variant (2).
Genome position (GRCh38, 1-based): chr1:218,434,206, A deleted. VCF-style (leftmost placement, unchanged base first): chr1-218434205-CA-C. GRCh37 (hg19) VCF-style: chr1-218607547-CA-C.
Other names: c.719del, p.His240fs (NM_001135599.4); short protein forms H212fs, H240fs.
Identifiers: ClinVar variation 3026869 (VCV003026869.22), dbSNP rs1571901213, ClinGen allele CA916406232.